The following is an entry in ClinVar:

NM_000466.3(PEX1):c.2024A>G (p.Glu675Gly)

Gene: PEX1 (peroxisomal biogenesis factor 1; minus strand). Cytogenetic location: 7q21.2.
Variant type: single nucleotide variant.
Coding change: c.2024A>G on transcript NM_000466.3 (MANE Select); coding-DNA position 2024, A replaced by G.
Protein change: p.Glu675Gly; replaces glutamic acid 675 with glycine.
Molecular consequence: missense variant. On other transcripts: intron variant (1).
Genome position (GRCh38, 1-based): chr7:92,504,779, T>C on the plus strand (A>G on the coding strand, the complement: PEX1 is on the minus strand). VCF-style: chr7-92504779-T-C. GRCh37 (hg19) VCF-style: chr7-92134093-T-C.
Other names: c.1400A>G, p.Glu467Gly (NM_001282678.2); c.1900+1469A>G (NM_001282677.2); short protein forms E467G, E675G.
Identifiers: ClinVar variation 1499301 (VCV001499301.5), dbSNP rs1792100189, ClinGen allele CA368183203.

ClinVar aggregate classification (germline): Uncertain significance (1 of 4 stars; one submission).

Conditions:
Zellweger spectrum disorders (ZS). Also called: Zellweger syndrome; Zellweger Spectrum Disorder (ZSD); Zellweger Spectrum Disorder; Zellweger Spectrum. Identifiers: Orphanet 912, MedGen C0043459, MONDO:0019609.

Allele frequency attached by ClinVar (database versions not stated): TOPMed below 0.00001; gnomAD exomes 0.00001.
gnomAD v4.1: 12 of 1,614,172 alleles (0.00074%); highest among the groups gnomAD compares: Non-Finnish European, 0.001%; no homozygotes.

Submission:

Labcorp Genetics (formerly Invitae), Labcorp
Classification: Uncertain significance for Zellweger spectrum disorders. Last evaluated: 2021-08-30. Review status: criteria provided, single submitter. Criteria: Invitae Variant Classification Sherloc (09022015). Collection method: clinical testing. Allele origin: germline.
Comment: This sequence change replaces glutamic acid with glycine at codon 675 of the PEX1 protein (p.Glu675Gly). The glutamic acid residue is moderately conserved and there is a moderate physicochemical difference between glutamic acid and glycine. This variant is not present in population databases (ExAC no frequency). This variant has not been reported in the literature in individuals affected with PEX1-related conditions. Algorithms developed to predict the effect of missense changes on protein structure and function (SIFT, PolyPhen-2, Align-GVGD) all suggest that this variant is likely to be tolerated. In summary, the available evidence is currently insufficient to determine the role of this variant in disease. Therefore, it has been classified as a Variant of Uncertain Significance.